The following is an entry in ClinVar:

ClinVar aggregate classification (germline): Pathogenic (1 of 4 stars; one submission).

Conditions:
Cerebral cavernous malformation 2. Also called: Familial Cerebral Cavernous Malformation 2. Identifiers: Orphanet 221061, MedGen C1864041, MONDO:0011304, OMIM 603284.

Submission:

Labcorp Genetics (formerly Invitae), Labcorp
Classification: Pathogenic for Cerebral cavernous malformation 2. Last evaluated: 2017-01-12. Review status: criteria provided, single submitter. Criteria: Invitae Variant Classification Sherloc (09022015). Collection method: clinical testing. Allele origin: germline.
Comment: While this particular variant has not been reported in the literature, loss-of-function variants in CCM2 are known to be pathogenic (PMID: 14624391). This sequence change deletes 1 nucleotide and inserts 19 nucleotides in exon 2 of the CCM2 mRNA (c.43delins19), creating a premature translational stop signal (p.Ser15_Pro16delinsIle*). It is expected to result in an absent or disrupted protein product. For these reasons, this variant has been classified as Pathogenic.

Literature cited by the submitters: PubMed 14624391.

NM_031443.4(CCM2):c.43delinsATTTAAACGAGTATTTAAA (p.Ser15delinsIleTer)

Gene: CCM2 (CCM2 scaffold protein; plus strand). Cytogenetic location: 7p13.
Variant type: Indel.
Coding change: c.43delinsATTTAAACGAGTATTTAAA on transcript NM_031443.4 (MANE Select); coding-DNA position 43, T replaced by ATTTAAACGAGTATTTAAA.
Protein change: p.Ser15delinsIleTer.
Molecular consequence: nonsense. On other transcripts: non-coding transcript variant (1), intron variant (2).
Genome position (GRCh38, 1-based): chr7:45,038,265, T replaced by ATTTAAACGAGTATTTAAA. VCF-style: chr7-45038265-T-ATTTAAACGAGTATTTAAA. GRCh37 (hg19) VCF-style: chr7-45077864-T-ATTTAAACGAGTATTTAAA.
Other names: c.106delinsATTTAAACGAGTATTTAAA, p.Ser36delinsIleTer (NM_001029835.2); c.43delinsATTTAAACGAGTATTTAAA, p.Ser15delinsIleTer (NM_001167935.2, NM_001363458.2); c.31-25653delinsATTTAAACGAGTATTTAAA (NM_001363459.2, NM_001167934.2).
Identifiers: ClinVar variation 1978046 (VCV001978046.4), dbSNP rs2485984746, ClinGen allele CA2580077185.
Genomic context (GRCh38, chr7:45,038,265, plus strand): 5'-AAGCATTTGTAAATAATGAACTCCAATCATTGCCGTTTCTGCCTGCAGCCTGGAATTGTC[T>ATTTAAACGAGTATTTAAA]CGCCATTTAAACGAGTATTCCTAAAAGGTGAAAAGAGTAGAGATAAGAAAGCCCATGAGA-3'